The following is an entry in ClinVar:

ClinVar aggregate classification (germline): Uncertain significance (1 of 4 stars; one submission).

Conditions:
Jeune thoracic dystrophy. Also called: Jeune syndrome; Infantile thoracic dystrophy; Thoracic pelvic phalangeal dystrophy; Jeune's syndrome; Chondroectodermal dysplasia-like syndrome; Short-rib thoracic dysplasia. Identifiers: Orphanet 474, MedGen C0265275, MONDO:0018770.

Submission:

Labcorp Genetics (formerly Invitae), Labcorp
Classification: Uncertain significance for Jeune thoracic dystrophy. Last evaluated: 2022-01-15. Review status: criteria provided, single submitter. Criteria: Invitae Variant Classification Sherloc (09022015). Collection method: clinical testing. Allele origin: germline.
Comment: This variant has not been reported in the literature in individuals affected with DYNC2H1-related conditions. In summary, the available evidence is currently insufficient to determine the role of this variant in disease. Therefore, it has been classified as a Variant of Uncertain Significance. Advanced modeling of protein sequence and biophysical properties (such as structural, functional, and spatial information, amino acid conservation, physicochemical variation, residue mobility, and thermodynamic stability) performed at Invitae indicates that this missense variant is expected to disrupt DYNC2H1 protein function. This variant is not present in population databases (gnomAD no frequency). This sequence change replaces tyrosine, which is neutral and polar, with cysteine, which is neutral and slightly polar, at codon 1862 of the DYNC2H1 protein (p.Tyr1862Cys).

NM_001377.3(DYNC2H1):c.5585A>G (p.Tyr1862Cys)

Gene: DYNC2H1 (dynein cytoplasmic 2 heavy chain 1; plus strand). Cytogenetic location: 11q22.3.
Variant type: single nucleotide variant.
Coding change: c.5585A>G on transcript NM_001377.3 (MANE Select); coding-DNA position 5585, A replaced by G.
Protein change: p.Tyr1862Cys; replaces tyrosine 1862 with cysteine.
Molecular consequence: missense variant.
Genome position (GRCh38, 1-based): chr11:103,174,081, A>G. VCF-style: chr11-103174081-A-G. GRCh37 (hg19) VCF-style: chr11-103044810-A-G.
Other names: c.5585A>G, p.Tyr1862Cys (NM_001080463.2); short protein forms Y1862C.
Identifiers: ClinVar variation 2083662 (VCV002083662.4), dbSNP rs2497158070, ClinGen allele CA382243440.